The following is an entry in ClinVar:

NM_007294.4(BRCA1):c.1025T>A (p.Leu342Gln)

Gene: BRCA1 (BRCA1 DNA repair associated; minus strand). Cytogenetic location: 17q21.31.
Variant type: single nucleotide variant.
Coding change: c.1025T>A on transcript NM_007294.4 (MANE Select); coding-DNA position 1025, T replaced by A.
Protein change: p.Leu342Gln; replaces leucine 342 with glutamine.
Molecular consequence: missense variant. On other transcripts: intron variant (137).
Genome position (GRCh38, 1-based): chr17:43,094,506, A>T on the plus strand (T>A on the coding strand, the complement: BRCA1 is on the minus strand). VCF-style: chr17-43094506-A-T. GRCh37 (hg19) VCF-style: chr17-41246523-A-T.
Other names: c.812T>A, p.Leu271Gln (NM_001407571.1, NM_001407853.1, NM_001407894.1 and 9 more transcripts); c.1025T>A, p.Leu342Gln (NM_001407581.1, NM_001407582.1, NM_001407583.1 and 30 more transcripts); c.1022T>A, p.Leu341Gln (NM_001407587.1, NM_001407590.1, NM_001407591.1 and 22 more transcripts); c.1016T>A, p.Leu339Gln (NM_001407646.1, NM_001407647.1); c.902T>A, p.Leu301Gln (NM_001407648.1, NM_001407664.1, NM_001407665.1 and 19 more transcripts); c.899T>A, p.Leu300Gln (NM_001407649.1, NM_001407670.1, NM_001407671.1 and 11 more transcripts); c.947T>A, p.Leu316Gln (NM_001407653.1, NM_001407654.1, NM_001407655.1 and 4 more transcripts); c.944T>A, p.Leu315Gln (NM_001407659.1, NM_001407660.1, NM_001407661.1 and 1 more transcripts); and 40 more; short protein forms L342Q, L295Q, L231Q, L253Q, L274Q, L301Q, L339Q, L174Q.
Identifiers: ClinVar variation 654052 (VCV000654052.13), dbSNP rs1555592634, ClinGen allele CA10600009.

ClinVar aggregate classification (germline): Conflicting classifications of pathogenicity. Review status: criteria provided, conflicting classifications (1 of 4 stars). 3 submissions from 3 submitters: Uncertain significance (2); Likely benign (1). Last evaluated 2025-08-12.

Conditions:
Hereditary breast ovarian cancer syndrome. Also called: Breast and ovarian cancer; BRCA1- and BRCA2-Associated Hereditary Breast and Ovarian Cancer; Hereditary breast and ovarian cancer; Hereditary breast and/or ovarian cancer syndrome; Hereditary breast and ovarian cancer syndrome; Hereditary breast and ovarian cancer syndrome (HBOC). Identifiers: Orphanet 145, MedGen C0677776, MeSH D061325, MONDO:0003582. Disease mechanism: loss of function.
Hereditary cancer-predisposing syndrome. Also called: Neoplastic Syndromes, Hereditary; Tumor predisposition; Hereditary Cancer Syndrome; Hereditary neoplastic syndrome. Identifiers: Orphanet 140162, MedGen C0027672, MeSH D009386, MONDO:0015356.

Submissions (3):

Ambry Genetics
Classification: Uncertain significance for Hereditary cancer-predisposing syndrome. Last evaluated: 2025-08-12. Review status: criteria provided, single submitter. Criteria: Ambry Variant Classification Scheme 2023. Collection method: clinical testing. Allele origin: germline.
Comment: The p.L342Q variant (also known as c.1025T>A), located in coding exon 9 of the BRCA1 gene, results from a T to A substitution at nucleotide position 1025. The leucine at codon 342 is replaced by glutamine, an amino acid with dissimilar properties. This amino acid position is conserved. In addition, the in silico prediction for this alteration is inconclusive. Based on the available evidence, the clinical significance of this variant remains unclear.

University of Washington Department of Laboratory Medicine, University of Washington
Classification: Likely benign for Hereditary cancer-predisposing syndrome. Last evaluated: 2023-03-23. Review status: criteria provided, single submitter. Criteria: Dines et al. (Genet Med. 2020). Collection method: curation. Allele origin: germline.
Comment: Missense variant in a coldspot region where missense variants are very unlikely to be pathogenic (PMID:31911673).

BRCA1 coldspot (exon 11 using historical exon numbering). Reclassification based on statistical prior probability

Labcorp Genetics (formerly Invitae), Labcorp
Classification: Uncertain significance for Hereditary breast ovarian cancer syndrome. Last evaluated: 2020-06-24. Review status: criteria provided, single submitter. Criteria: Invitae Variant Classification Sherloc (09022015). Collection method: clinical testing. Allele origin: germline.
Comment: In summary, the available evidence is currently insufficient to determine the role of this variant in disease. Therefore, it has been classified as a Variant of Uncertain Significance. Algorithms developed to predict the effect of missense changes on protein structure and function output the following: SIFT: "Deleterious"; PolyPhen-2: "Benign"; Align-GVGD: "Class C0". The glutamine amino acid residue is found in multiple mammalian species, suggesting that this missense change does not adversely affect protein function. These predictions have not been confirmed by published functional studies and their clinical significance is uncertain. This variant has not been reported in the literature in individuals with BRCA1-related disease. This variant is not present in population databases (ExAC no frequency). This sequence change replaces leucine with glutamine at codon 342 of the BRCA1 protein (p.Leu342Gln). The leucine residue is moderately conserved and there is a moderate physicochemical difference between leucine and glutamine.